The following is an entry in ClinVar:

ClinVar aggregate classification (germline): Uncertain significance (1 of 4 stars; one submission).

Submission:

GeneDx
Classification: Uncertain significance. Last evaluated: 2019-10-24. Review status: criteria provided, single submitter. Criteria: GeneDx Variant Classification Process June 2021. Collection method: clinical testing. Allele origin: germline. Affected: yes.
Comment: Has not been previously published as pathogenic or benign to our knowledge; In-frame deletion of 1 amino acid in a non-repeat region; In silico analysis, which includes protein predictors and evolutionary conservation, supports a deleterious effect

NM_001288705.3(CSF1R):c.716ACA[2] (p.Asn241del)

Genes: CSF1R (colony stimulating factor 1 receptor; minus strand), LOC111188154 (RORalpha allelically-responsive CSF1R enhancer; plus strand). Cytogenetic location: 5q32.
Variant type: Microsatellite.
Coding change: c.716ACA[2] on transcript NM_001288705.3 (MANE Select); two copies in a row of the 3-base unit ACA starting at c.716; the reference has three copies in a row; one copy, 3 bases deleted.
Protein change: p.Asn241del; deletes asparagine 241.
Molecular consequence: inframe deletion. On other transcripts: non-coding transcript variant (2).
Genome position (GRCh38, 1-based): chr5:150,078,117-150,078,119, TGT deleted on the plus strand (ACA on the coding strand, the reverse complement: CSF1R is on the minus strand); deleting any 3 consecutive bases within chr5:150,078,117-150,078,125 gives the same sequence; the position shown is the placement nearest the transcript's 3' end. VCF-style (leftmost placement, unchanged base first): chr5-150078116-GTGT-G. GRCh37 (hg19) VCF-style: chr5-149457679-GTGT-G.
Other names: c.716ACA[2], p.Asn241del (NM_001349736.2, NM_001375320.1, NM_005211.4); c.272ACA[2], p.Asn93del (NM_001375321.1); short protein forms N241del, N93del.
Identifiers: ClinVar variation 1309896 (VCV001309896.2), dbSNP rs765544156, ClinGen allele CA3507099.
Genomic context (GRCh38, chr5:150,078,116, plus strand): 5'-AACCTGGTGTGCTGGGAGGATGGCCAGACTTCACCTTGTGATCTGCAGGGACTGACCTTG[GTGT>G]TGTTGTGTTGGAGGAAGACATCAAAGTTAACATCAACGCTGCTGGCTGAGCACACGATCT-3'